The following is an entry in ClinVar:

NM_001987.5(ETV6):c.557T>G (p.Ile186Ser)

Gene: ETV6 (ETS variant transcription factor 6; plus strand). Cytogenetic location: 12p13.2.
Variant type: single nucleotide variant.
Coding change: c.557T>G on transcript NM_001987.5 (MANE Select); coding-DNA position 557, T replaced by G.
Protein change: p.Ile186Ser; replaces isoleucine 186 with serine.
Molecular consequence: missense variant.
Genome position (GRCh38, 1-based): chr12:11,869,517, T>G. VCF-style: chr12-11869517-T-G. GRCh37 (hg19) VCF-style: chr12-12022451-T-G.
Other names: c.554T>G, p.Ile185Ser (NM_001413913.1); c.530T>G, p.Ile177Ser (NM_001413914.1); c.293T>G, p.Ile98Ser (NM_001413915.1); c.557T>G, p.Ile186Ser (NM_001413916.1, NM_001413917.1); short protein forms I177S, I185S, I98S, I186S.
Identifiers: ClinVar variation 3846460 (VCV003846460.1).
Genomic context (GRCh38, chr12:11,869,517, plus strand): 5'-TGGATAATGTGCACCATAACCCTCCCACCATTGAACTGTTGCACCGCTCCAGGTCACCTA[T>G]CACGACAAATCACCGGCCTTCTCCTGACCCCGAGCAGCGGCCCCTCCGGTCCCCCCTGGA-3'
Protein context (NP_001978.1, residues 176-196): IELLHRSRSP[Ile186Ser]TTNHRPSPDP

ClinVar aggregate classification (germline): Uncertain significance (1 of 4 stars; one submission).

Conditions:
Inborn genetic diseases. Identifiers: MedGen C0950123, MeSH D030342.

Submission:

Ambry Genetics
Classification: Uncertain significance for Inborn genetic diseases. Last evaluated: 2025-02-28. Review status: criteria provided, single submitter. Criteria: Ambry Variant Classification Scheme 2023. Collection method: clinical testing. Allele origin: germline.
Comment: The p.I186S variant (also known as c.557T>G), located in coding exon 5 of the ETV6 gene, results from a T to G substitution at nucleotide position 557. The isoleucine at codon 186 is replaced by serine, an amino acid with dissimilar properties. This amino acid position is conserved. In addition, this alteration is predicted to be tolerated by in silico analysis. Based on the available evidence, the clinical significance of this variant remains unclear.